The following is an entry in ClinVar:

ClinVar aggregate classification (germline): Uncertain significance (1 of 4 stars; one submission).

Conditions:
Hereditary cancer-predisposing syndrome. Also called: Tumor predisposition; Hereditary Cancer Syndrome; Hereditary neoplastic syndrome; Neoplastic Syndromes, Hereditary. Identifiers: Orphanet 140162, MedGen C0027672, MeSH D009386, MONDO:0015356.

Submission:

Ambry Genetics
Classification: Uncertain significance for Hereditary cancer-predisposing syndrome. Last evaluated: 2025-12-15. Review status: criteria provided, single submitter. Criteria: Ambry Variant Classification Scheme 2023. Collection method: clinical testing. Allele origin: germline.
Comment: The p.E9D variant (also known as c.27G>C), located in coding exon 1 of the PTCH1 gene, results from a G to C substitution at nucleotide position 27. The glutamic acid at codon 9 is replaced by aspartic acid, an amino acid with highly similar properties. This amino acid position is conserved. In addition, this alteration is predicted to be tolerated by in silico analysis. Based on the available evidence, the clinical significance of this variant remains unclear.

NM_000264.5(PTCH1):c.27G>C (p.Glu9Asp)

Genes: PTCH1 (patched 1; minus strand), LOC130002133 (ATAC-STARR-seq lymphoblastoid silent region 20071; plus strand). Cytogenetic location: 9q22.32.
Variant type: single nucleotide variant.
Coding change: c.27G>C on transcript NM_000264.5 (MANE Select); coding-DNA position 27, G replaced by C.
Protein change: p.Glu9Asp; replaces glutamic acid 9 with aspartic acid.
Molecular consequence: missense variant. On other transcripts: non-coding transcript variant (1), intron variant (3).
Genome position (GRCh38, 1-based): chr9:95,508,335, C>G on the plus strand (G>C on the coding strand, the complement: PTCH1 is on the minus strand). VCF-style: chr9-95508335-C-G. GRCh37 (hg19) VCF-style: chr9-98270617-C-G.
Other names: c.27G>C, p.Glu9Asp (NM_001354918.2); c.199-1736G>C (NM_001083603.3); c.4-1736G>C (NM_001083602.3, NM_001354919.2); short protein forms E9D.
Identifiers: ClinVar variation 3230992 (VCV003230992.2), dbSNP rs1354741081, ClinGen allele CA374121641.